The following is an entry in ClinVar:

NM_001039958.2(MESP2):c.86dup (p.Asp29fs)

Gene: MESP2 (mesoderm posterior bHLH transcription factor 2; plus strand). Cytogenetic location: 15q26.1.
Variant type: Duplication.
Coding change: c.86dup on transcript NM_001039958.2 (MANE Select); coding-DNA position 86, one base duplicated (A; older notation c.86dupA).
Protein change: p.Asp29fs; shifts the reading frame from aspartic acid 29.
Molecular consequence: frameshift variant.
Genome position (GRCh38, 1-based): chr15:89,776,443, A duplicated. VCF-style (leftmost placement, unchanged base first): chr15-89776442-G-GA. GRCh37 (hg19) VCF-style: chr15-90319673-G-GA.
Other names: short protein forms D29fs.
Identifiers: ClinVar variation 2848541 (VCV002848541.3), dbSNP rs2505184696, ClinGen allele CA2630291867.

ClinVar aggregate classification (germline): Pathogenic (1 of 4 stars; one submission).

Allele frequency attached by ClinVar (database versions not stated): gnomAD exomes below 0.00001.

Submission:

Labcorp Genetics (formerly Invitae), Labcorp
Classification: Pathogenic. Last evaluated: 2023-03-22. Review status: criteria provided, single submitter. Criteria: Invitae Variant Classification Sherloc (09022015). Collection method: clinical testing. Allele origin: germline.
Comment: This sequence change creates a premature translational stop signal (p.Asp29Glufs*338) in the MESP2 gene. While this is not anticipated to result in nonsense mediated decay, it is expected to disrupt the last 369 amino acid(s) of the MESP2 protein. This variant is not present in population databases (gnomAD no frequency). This variant has not been reported in the literature in individuals affected with MESP2-related conditions. This variant disrupts a region of the MESP2 protein in which other variant(s) (p.Gly169Profs*199) have been determined to be pathogenic (PMID: 15122512, 18485326). This suggests that this is a clinically significant region of the protein, and that variants that disrupt it are likely to be disease-causing. For these reasons, this variant has been classified as Pathogenic.

Literature cited by the submitters: PubMed 15122512; PubMed 18485326.